The following is an entry in ClinVar:

ClinVar aggregate classification (germline): Uncertain significance. Review status: criteria provided, multiple submitters, no conflicts (2 of 4 stars). 3 submissions from 3 submitters: Uncertain significance (3). Last evaluated 2022-07-11.

Conditions:
Deficiency of butyryl-CoA dehydrogenase (ACADSD). Also called: SCAD DEFICIENCY, MILD; ACYL-CoA DEHYDROGENASE, SHORT-CHAIN, DEFICIENCY OF; SCAD Deficiency; Short-Chain Acyl-CoA Dehydrogenase Deficiency; SCADH DEFICIENCY; ACADS DEFICIENCY. Identifiers: Orphanet 26792, MedGen C0342783, MONDO:0008722, OMIM 201470. Disease mechanism: May be benign.

Allele frequency attached by ClinVar (database versions not stated): ExAC 0.00002; gnomAD exomes 0.00003 and 0.00006; TOPMed 0.00005; gnomAD 0.00006 and 0.00007; ESP Exome Variant Server 0.00008.
gnomAD v4.1: 57 of 1,614,088 alleles (0.0035%); highest among the groups gnomAD compares: South Asian, 0.011%; no homozygotes.

Submissions (3):

Labcorp Genetics (formerly Invitae), Labcorp
Classification: Uncertain significance for Deficiency of butyryl-CoA dehydrogenase. Last evaluated: 2022-07-11. Review status: criteria provided, single submitter. Criteria: Invitae Variant Classification Sherloc (09022015). Collection method: clinical testing. Allele origin: germline.
Comment: ClinVar contains an entry for this variant (Variation ID: 871738). In summary, the available evidence is currently insufficient to determine the role of this variant in disease. Therefore, it has been classified as a Variant of Uncertain Significance. Advanced modeling of protein sequence and biophysical properties (such as structural, functional, and spatial information, amino acid conservation, physicochemical variation, residue mobility, and thermodynamic stability) performed at Invitae indicates that this missense variant is not expected to disrupt ACADS protein function. This variant has not been reported in the literature in individuals affected with ACADS-related conditions. This variant is present in population databases (rs143131689, gnomAD 0.02%). This sequence change replaces threonine, which is neutral and polar, with methionine, which is neutral and non-polar, at codon 223 of the ACADS protein (p.Thr223Met).

Genome-Nilou Lab
Classification: Uncertain significance for Deficiency of butyryl-CoA dehydrogenase. Last evaluated: 2021-11-07. Review status: criteria provided, single submitter. Criteria: ACMG Guidelines, 2015. Collection method: clinical testing. Allele origin: germline. Affected: no.

CeGaT Center for Human Genetics Tuebingen
Classification: Uncertain significance. Last evaluated: 2019-10-01. Review status: criteria provided, single submitter. Criteria: CeGaT Center For Human Genetics Tuebingen Variant Classification Criteria Version 2. Collection method: clinical testing. Allele origin: germline. Affected: yes. Observed: 1 variant allele.

NM_000017.4(ACADS):c.668C>T (p.Thr223Met)

Gene: ACADS (acyl-CoA dehydrogenase short chain; plus strand). Cytogenetic location: 12q24.31.
Variant type: single nucleotide variant.
Coding change: c.668C>T on transcript NM_000017.4 (MANE Select); coding-DNA position 668, C replaced by T.
Protein change: p.Thr223Met; replaces threonine 223 with methionine.
Molecular consequence: missense variant.
Genome position (GRCh38, 1-based): chr12:120,738,323, C>T. VCF-style: chr12-120738323-C-T. GRCh37 (hg19) VCF-style: chr12-121176126-C-T.
Other names: c.656C>T, p.Thr219Met (NM_001302554.2); short protein forms T219M, T223M.
Identifiers: ClinVar variation 871738 (VCV000871738.50), dbSNP rs143131689, ClinGen allele CA6831032.